The following is an entry in ClinVar:

NM_003846.3(PEX11B):c.108A>T (p.Gly36=)

Gene: PEX11B (peroxisomal biogenesis factor 11 beta; minus strand). Cytogenetic location: 1q21.1.
Variant type: single nucleotide variant.
Coding change: c.108A>T on transcript NM_003846.3 (MANE Select); coding-DNA position 108, A replaced by T.
Protein change: p.Gly36=; no amino-acid change (glycine 36 retained).
Molecular consequence: synonymous variant. On other transcripts: non-coding transcript variant (3).
Genome position (GRCh38, 1-based): chr1:145,917,765, T>A on the plus strand (A>T on the coding strand, the complement: PEX11B is on the minus strand). VCF-style: chr1-145917765-T-A. GRCh37 (hg19) VCF-style: chr1-145517324-A-T.
Other names: c.108A>T (NM_003846.2); c.66A>T, p.Gly22= (NM_001184795.1).
Identifiers: ClinVar variation 2979258 (VCV002979258.4), dbSNP rs1553754161, ClinGen allele CA420246011.

ClinVar aggregate classification (germline): Likely benign. Review status: criteria provided, multiple submitters, no conflicts (2 of 4 stars). 2 submissions from 2 submitters: Likely benign (2). Last evaluated 2025-03-17.

Conditions:
PEX11B-related disorder. Also called: PEX11B-related condition.

Allele frequency attached by ClinVar (database versions not stated): gnomAD exomes below 0.00001.
gnomAD v4.1: 1 of 1,613,872 alleles (0.000062%); highest among the groups gnomAD compares: Non-Finnish European, 0.000085%; no homozygotes.

Submissions (2):

Labcorp Genetics (formerly Invitae), Labcorp
Classification: Likely benign. Last evaluated: 2025-03-17. Review status: criteria provided, single submitter. Criteria: Invitae Variant Classification Sherloc (09022015). Collection method: clinical testing. Allele origin: germline.

PreventionGenetics, part of Exact Sciences
Classification: Likely benign for PEX11B-related condition. Last evaluated: 2024-10-30. Review status: criteria provided, single submitter. Criteria: ACMG Guidelines, 2015. Collection method: clinical testing. Allele origin: germline.
Comment: This variant is classified as likely benign based on ACMG/AMP sequence variant interpretation guidelines (Richards et al. 2015 PMID: 25741868, with internal and published modifications).